The following is an entry in ClinVar:

NM_032043.3(BRIP1):c.256T>G (p.Cys86Gly)

Gene: BRIP1 (BRCA1 interacting DNA helicase 1; minus strand). Cytogenetic location: 17q23.2.
Variant type: single nucleotide variant.
Coding change: c.256T>G on transcript NM_032043.3 (MANE Select); coding-DNA position 256, T replaced by G.
Protein change: p.Cys86Gly; replaces cysteine 86 with glycine.
Molecular consequence: missense variant.
Genome position (GRCh38, 1-based): chr17:61,857,181, A>C on the plus strand (T>G on the coding strand, the complement: BRIP1 is on the minus strand). VCF-style: chr17-61857181-A-C. GRCh37 (hg19) VCF-style: chr17-59934542-A-C.
Other names: short protein forms C86G.
Identifiers: ClinVar variation 491447 (VCV000491447.6), dbSNP rs1555617900, ClinGen allele CA400485521.

ClinVar aggregate classification (germline): Uncertain significance (1 of 4 stars; one submission).

Conditions:
Hereditary cancer-predisposing syndrome. Also called: Hereditary neoplastic syndrome; Tumor predisposition; Hereditary Cancer Syndrome; Neoplastic Syndromes, Hereditary. Identifiers: Orphanet 140162, MedGen C0027672, MeSH D009386, MONDO:0015356.

Submission:

Color Diagnostics, LLC DBA Color Health
Classification: Uncertain significance for Hereditary cancer-predisposing syndrome. Last evaluated: 2023-12-05. Review status: criteria provided, single submitter. Criteria: ACMG Guidelines, 2015. Collection method: clinical testing. Allele origin: germline.
Comment: This missense variant replaces cysteine with glycine at codon 86 of the BRIP1 protein. Computational prediction suggests that this variant may not impact protein structure and function (internally defined REVEL score threshold <= 0.5, PMID: 27666373). To our knowledge, functional studies have not been reported for this variant. This variant has not been reported in individuals affected with BRIP1-related disorders in the literature. This variant has not been identified in the general population by the Genome Aggregation Database (gnomAD). The available evidence is insufficient to determine the role of this variant in disease conclusively. Therefore, this variant is classified as a Variant of Uncertain Significance.